The following is an entry in ClinVar:

ClinVar aggregate classification (germline): Uncertain significance (1 of 4 stars; one submission).

Conditions:
Insulin-dependent diabetes mellitus secretory diarrhea syndrome (IPEX). Also called: Immunodeficiency, Polyendocrinopathy, and Enteropathy X-Linked Syndrome; X-Linked Syndrome of Polyendocrinopathy, Immune Dysfunction, and Diarrhea; Immunodysregulation, polyendocrinopathy, and enteropathy, X-linked; Immune dysregulation-polyendocrinopathy-enteropathy-X-linked syndrome; IPEX and IPEX-Like; X-Linked Autoimmunity-Allergic Dysregulation Syndrome. Identifiers: Orphanet 37042, MedGen C0342288, MONDO:0010580, OMIM 304790. Disease mechanism: loss of function.

Submission:

Labcorp Genetics (formerly Invitae), Labcorp
Classification: Uncertain significance for Insulin-dependent diabetes mellitus secretory diarrhea syndrome. Last evaluated: 2025-04-08. Review status: criteria provided, single submitter. Criteria: Invitae Variant Classification Sherloc (09022015). Collection method: clinical testing. Allele origin: germline.
Comment: This sequence change replaces serine, which is neutral and polar, with alanine, which is neutral and non-polar, at codon 60 of the FOXP3 protein (p.Ser60Ala). This variant is not present in population databases (gnomAD no frequency). This variant has not been reported in the literature in individuals affected with FOXP3-related conditions. Invitae Evidence Modeling of protein sequence and biophysical properties (such as structural, functional, and spatial information, amino acid conservation, physicochemical variation, residue mobility, and thermodynamic stability) indicates that this missense variant is not expected to disrupt FOXP3 protein function with a negative predictive value of 80%. In summary, the available evidence is currently insufficient to determine the role of this variant in disease. Therefore, it has been classified as a Variant of Uncertain Significance.

NM_014009.4(FOXP3):c.178T>G (p.Ser60Ala)

Gene: FOXP3 (forkhead box P3; minus strand). Cytogenetic location: Xp11.23.
Variant type: single nucleotide variant.
Coding change: c.178T>G on transcript NM_014009.4 (MANE Select); coding-DNA position 178, T replaced by G.
Protein change: p.Ser60Ala; replaces serine 60 with alanine.
Molecular consequence: missense variant.
Genome position (GRCh38, 1-based): chrX:49,258,328, A>C on the plus strand (T>G on the coding strand, the complement: FOXP3 is on the minus strand). VCF-style: chrX-49258328-A-C. GRCh37 (hg19) VCF-style: chrX-49114785-A-C.
Other names: c.178T>G, p.Ser60Ala (NM_001114377.2); short protein forms S60A.
Identifiers: ClinVar variation 4770391 (VCV004770391.1).